The following is an entry in ClinVar:

ClinVar aggregate classification (germline): Uncertain significance. Review status: criteria provided, multiple submitters, no conflicts (2 of 4 stars). 5 submissions from 5 submitters: Uncertain significance (4). 1 of the submissions does not count toward it. Last evaluated 2025-09-16.

Conditions:
Breast-ovarian cancer, familial, susceptibility to, 1 (BROVCA1). Also called: OVARIAN CANCER, SUSCEPTIBILITY TO; BRCA1 Hereditary Breast and Ovarian Cancer. Identifiers: Orphanet 145, MedGen C2676676, MONDO:0011450, OMIM 604370. Disease mechanism: loss of function.
Hereditary breast ovarian cancer syndrome. Also called: Hereditary breast and ovarian cancer; Hereditary breast and/or ovarian cancer syndrome; Breast and ovarian cancer; BRCA1- and BRCA2-Associated Hereditary Breast and Ovarian Cancer; Hereditary breast and ovarian cancer syndrome (HBOC); Hereditary breast and ovarian cancer syndrome. Identifiers: Orphanet 145, MedGen C0677776, MeSH D061325, MONDO:0003582. Disease mechanism: loss of function.
Hereditary cancer-predisposing syndrome. Also called: Tumor predisposition; Hereditary Cancer Syndrome; Hereditary neoplastic syndrome; Neoplastic Syndromes, Hereditary. Identifiers: Orphanet 140162, MedGen C0027672, MeSH D009386, MONDO:0015356.

gnomAD v4.1: 1 of 1,613,906 alleles (0.000062%); highest among the groups gnomAD compares: Non-Finnish European, 0.000085%; no homozygotes.

Submissions (5):

Labcorp Genetics (formerly Invitae), Labcorp
Classification: Uncertain significance for Hereditary breast ovarian cancer syndrome. Last evaluated: 2025-09-16. Review status: criteria provided, single submitter. Criteria: Invitae Variant Classification Sherloc (09022015). Collection method: clinical testing. Allele origin: germline.
Comment: This sequence change replaces glutamic acid, which is acidic and polar, with valine, which is neutral and non-polar, at codon 1559 of the BRCA1 protein (p.Glu1559Val). This variant is not present in population databases (gnomAD no frequency). This variant has not been reported in the literature in individuals affected with BRCA1-related conditions. ClinVar contains an entry for this variant (Variation ID: 1354612). An algorithm developed to predict the effect of missense changes on protein structure and function outputs the following: PolyPhen-2: "Benign". The valine amino acid residue is found in multiple mammalian species, which suggests that this missense change does not adversely affect protein function. In summary, the available evidence is currently insufficient to determine the role of this variant in disease. Therefore, it has been classified as a Variant of Uncertain Significance.

Color Diagnostics, LLC DBA Color Health
Classification: Uncertain significance for Hereditary cancer-predisposing syndrome. Last evaluated: 2025-08-12. Review status: criteria provided, single submitter. Criteria: ACMG Guidelines, 2015. Collection method: clinical testing. Allele origin: germline.
Comment: This missense variant replaces glutamic acid with valine at codon 1559 of the BRCA1 protein. Computational prediction is inconclusive regarding the impact of this variant on protein structure and function. To our knowledge, functional studies have not been reported for this variant. This variant has not been reported in individuals affected with BRCA1-related disorders in the literature. This variant has not been identified in the general population by the Genome Aggregation Database (gnomAD). The available evidence is insufficient to determine the role of this variant in disease conclusively. Therefore, this variant is classified as a Variant of Uncertain Significance.

St. Jude Molecular Pathology, St. Jude Children's Research Hospital
Classification: Uncertain significance for Breast-ovarian cancer, familial, susceptibility to, 1. Last evaluated: 2025-01-23. Review status: criteria provided, single submitter. Criteria: St. Jude Assertion Criteria 2020. Collection method: clinical testing. Allele origin: germline.
Comment: The BRCA1 c.4676A>T p.(Glu1559Val) missense change is absent in gnomAD v2.1.1. The in silico tool REVEL is inconclusive about a pathogenic or benign effect of this variant on protein function, and to our knowledge functional studies have not been performed. To our knowledge, this variant has not been reported in individuals with HBOC or Fanconi anemia. In summary, the evidence currently available is insufficient to determine the clinical significance of this variant. It has therefore been classified as of uncertain significance.

Ambry Genetics
Classification: Uncertain significance for Hereditary cancer-predisposing syndrome. Last evaluated: 2024-05-07. Review status: criteria provided, single submitter. Criteria: Ambry Variant Classification Scheme 2023. Collection method: clinical testing. Allele origin: germline.
Comment: The p.E1559V variant (also known as c.4676A>T), located in coding exon 14 of the BRCA1 gene, results from a A to T substitution at nucleotide position 4676. This variant impacts the first base pair of coding exon 14. The glutamic acid at codon 1559 is replaced by valine, an amino acid with dissimilar properties. This amino acid position is highly conserved in available vertebrate species. In addition, the in silico prediction for this alteration is inconclusive. Based on the available evidence, the clinical significance of this variant remains unclear.

BRCAlab, Lund University
Classification: Uncertain significance for Breast-ovarian cancer, familial, susceptibility to, 1. Last evaluated: 2020-03-02. Review status: no assertion criteria provided. Collection method: clinical testing. Allele origin: germline. Affected: yes. Not counted in ClinVar's aggregate classification.

NM_007294.4(BRCA1):c.4676A>T (p.Glu1559Val)

Gene: BRCA1 (BRCA1 DNA repair associated; minus strand). Cytogenetic location: 17q21.31.
Variant type: single nucleotide variant.
Coding change: c.4676A>T on transcript NM_007294.4 (MANE Select); coding-DNA position 4676, A replaced by T.
Protein change: p.Glu1559Val; replaces glutamic acid 1559 with valine.
Molecular consequence: missense variant. On other transcripts: non-coding transcript variant (1).
Genome position (GRCh38, 1-based): chr17:43,071,238, T>A on the plus strand (A>T on the coding strand, the complement: BRCA1 is on the minus strand). VCF-style: chr17-43071238-T-A. GRCh37 (hg19) VCF-style: chr17-41223255-T-A.
Other names: c.4463A>T, p.Glu1488Val (NM_001407571.1, NM_001407894.1, NM_001407895.1 and 12 more transcripts); c.4742A>T, p.Glu1581Val (NM_001407581.1, NM_001407582.1); c.4739A>T, p.Glu1580Val (NM_001407583.1, NM_001407585.1, NM_001407587.1 and 1 more transcripts); c.4736A>T, p.Glu1579Val (NM_001407590.1, NM_001407591.1); c.4676A>T, p.Glu1559Val (NM_001407593.1, NM_001407594.1, NM_001407596.1 and 8 more transcripts); c.4673A>T, p.Glu1558Val (NM_001407619.1, NM_001407620.1, NM_001407621.1 and 17 more transcripts); c.4670A>T, p.Glu1557Val (NM_001407627.1, NM_001407638.1, NM_001407639.1 and 14 more transcripts); c.4667A>T, p.Glu1556Val (NM_001407644.1, NM_001407645.1); and 70 more; short protein forms E1512V, E1580V, E455V, E1559V, E1430V, E1431V, E1448V, E1469V.
Identifiers: ClinVar variation 1354612 (VCV001354612.12), dbSNP rs2153902423, ClinGen allele CA10592152.